The following is an entry in ClinVar:

NM_033163.5(FGF8):c.508C>T (p.Leu170=)

Gene: FGF8 (fibroblast growth factor 8; minus strand). Cytogenetic location: 10q24.32.
Variant type: single nucleotide variant.
Coding change: c.508C>T on transcript NM_033163.5 (MANE Select); coding-DNA position 508, C replaced by T.
Protein change: p.Leu170=; no amino-acid change (leucine 170 retained).
Molecular consequence: synonymous variant.
Genome position (GRCh38, 1-based): chr10:101,770,556, G>A on the plus strand (C>T on the coding strand, the complement: FGF8 is on the minus strand). VCF-style: chr10-101770556-G-A. GRCh37 (hg19) VCF-style: chr10-103530313-G-A.
Other names: c.196C>T, p.Leu66= (NM_001206389.2); c.421C>T, p.Leu141= (NM_006119.6); c.475C>T, p.Leu159= (NM_033164.4); c.388C>T, p.Leu130= (NM_033165.5).
Identifiers: ClinVar variation 1306672 (VCV001306672.2), dbSNP rs371534104, ClinGen allele CA5657564.

ClinVar aggregate classification (germline): Uncertain significance (1 of 4 stars; one submission).

Allele frequency attached by ClinVar (database versions not stated): TOPMed below 0.00001; gnomAD 0.00001; gnomAD exomes 0.00001 and 0.00002; ExAC 0.00002; ESP Exome Variant Server 0.00008.

Submission:

GeneDx
Classification: Uncertain significance. Last evaluated: 2019-07-09. Review status: criteria provided, single submitter. Criteria: GeneDx Variant Classification Process June 2021. Collection method: clinical testing. Allele origin: germline. Affected: yes.
Comment: Not observed at a significant frequency in large population cohorts (Lek et al., 2016); In silico analysis, which includes splice predictors and evolutionary conservation, supports that this variant does not alter protein structure/function; Has not been previously published as pathogenic or benign to our knowledge